The following is an entry in ClinVar:

NM_205861.3(DHDDS):c.191G>A (p.Trp64Ter)

Gene: DHDDS (dehydrodolichyl diphosphate synthase subunit; plus strand). Cytogenetic location: 1p36.11.
Variant type: single nucleotide variant.
Coding change: c.191G>A on transcript NM_205861.3 (MANE Select); coding-DNA position 191, G replaced by A.
Protein change: p.Trp64Ter; replaces tryptophan 64 with a stop codon.
Molecular consequence: nonsense. On other transcripts: 5 prime UTR variant (1).
Genome position (GRCh38, 1-based): chr1:26,442,741, G>A. VCF-style: chr1-26442741-G-A. GRCh37 (hg19) VCF-style: chr1-26769232-G-A.
Other names: c.191G>A, p.Trp64Ter (NM_001243564.2, NM_001243565.2, NM_024887.4); c.-89G>A (NM_001319959.2); short protein forms W64*.
Identifiers: ClinVar variation 2638524 (VCV002638524.27), dbSNP rs756507508, ClinGen allele CA339140082.
Genomic context (GRCh38, chr1:26,442,741, plus strand): 5'-CCCTTCCCACTCTTCCTTGTATCCTAGCTCCTTGCCTTCTCCCCTCTCAGACTCTGCGGT[G>A]GTGTTTGAACCTGGGCATCCTAGAGGTGACAGTCTACGCATTCAGCATTGAGAACTTCAA-3'

ClinVar aggregate classification (germline): Conflicting classifications of pathogenicity. Review status: criteria provided, conflicting classifications (1 of 4 stars). 2 submissions from 2 submitters: Pathogenic (1); Uncertain significance (1). Last evaluated 2023-05-30.

Conditions:
Retinitis pigmentosa 59 (RP59). Identifiers: Orphanet 791, MedGen C3151227, MONDO:0013468, OMIM 613861.

Submissions (2):

Labcorp Genetics (formerly Invitae), Labcorp
Classification: Pathogenic for Retinitis pigmentosa 59. Last evaluated: 2023-05-30. Review status: criteria provided, single submitter. Criteria: Invitae Variant Classification Sherloc (09022015). Collection method: clinical testing. Allele origin: germline.
Comment: This sequence change creates a premature translational stop signal (p.Trp64*) in the DHDDS gene. It is expected to result in an absent or disrupted protein product. Loss-of-function variants in DHDDS are known to be pathogenic (PMID: 24664742). This variant is not present in population databases (gnomAD no frequency). This premature translational stop signal has been observed in individual(s) with congenital disorders of glycosylation (PMID: 27343064). For these reasons, this variant has been classified as Pathogenic.

CeGaT Center for Human Genetics Tuebingen
Classification: Uncertain significance. Last evaluated: 2022-03-01. Review status: criteria provided, single submitter. Criteria: CeGaT Center For Human Genetics Tuebingen Variant Classification Criteria Version 2. Collection method: clinical testing. Allele origin: germline. Affected: yes. Observed: 1 variant allele.
Comment: DHDDS: PM2

Literature cited by the submitters: PubMed 24664742 (cited by Labcorp Genetics (formerly Invitae), Labcorp); PubMed 27343064 (cited by Labcorp Genetics (formerly Invitae), Labcorp).